The following is an entry in ClinVar:

ClinVar aggregate classification (germline): Uncertain significance (1 of 4 stars; one submission).

Submission:

GeneDx
Classification: Uncertain significance. Last evaluated: 2026-02-04. Review status: criteria provided, single submitter. Criteria: GeneDx Variant Classification Process June 2021. Collection method: clinical testing. Allele origin: germline. Affected: yes.
Comment: Not observed at significant frequency in large population cohorts (gnomAD); In silico analysis supports that this missense variant has a deleterious effect on protein structure/function; Has not been previously published as pathogenic or benign to our knowledge

NM_021005.4(NR2F2):c.404G>A (p.Arg135His)

Gene: NR2F2 (nuclear receptor subfamily 2 group F member 2; plus strand). Cytogenetic location: 15q26.2.
Variant type: single nucleotide variant.
Coding change: c.404G>A on transcript NM_021005.4 (MANE Select); coding-DNA position 404, G replaced by A.
Protein change: p.Arg135His; replaces arginine 135 with histidine.
Molecular consequence: missense variant. On other transcripts: intron variant (1).
Genome position (GRCh38, 1-based): chr15:96,332,509, G>A. VCF-style: chr15-96332509-G-A. GRCh37 (hg19) VCF-style: chr15-96875738-G-A.
Other names: c.44-1567G>A (NM_001145155.2); short protein forms R135H.
Identifiers: ClinVar variation 3371224 (VCV003371224.2).